The following is an entry in ClinVar:

ClinVar aggregate classification (germline): Uncertain significance (1 of 4 stars; one submission).

Allele frequency attached by ClinVar (database versions not stated): TOPMed 0.00001; ExAC 0.00002.
gnomAD v4.1: 22 of 1,614,052 alleles (0.0014%); highest among the groups gnomAD compares: South Asian, 0.0077%; no homozygotes.

Submission:

Labcorp Genetics (formerly Invitae), Labcorp
Classification: Uncertain significance. Last evaluated: 2023-12-06. Review status: criteria provided, single submitter. Criteria: Invitae Variant Classification Sherloc (09022015). Collection method: clinical testing. Allele origin: germline.
Comment: This sequence change replaces arginine, which is basic and polar, with tryptophan, which is neutral and slightly polar, at codon 502 of the TNFAIP3 protein (p.Arg502Trp). This variant is present in population databases (rs765245305, gnomAD 0.006%). This variant has not been reported in the literature in individuals affected with TNFAIP3-related conditions. Advanced modeling of protein sequence and biophysical properties (such as structural, functional, and spatial information, amino acid conservation, physicochemical variation, residue mobility, and thermodynamic stability) performed at Invitae indicates that this missense variant is not expected to disrupt TNFAIP3 protein function with a negative predictive value of 80%. In summary, the available evidence is currently insufficient to determine the role of this variant in disease. Therefore, it has been classified as a Variant of Uncertain Significance.

NM_001270508.2(TNFAIP3):c.1504C>T (p.Arg502Trp)

Gene: TNFAIP3 (TNF alpha induced protein 3; plus strand). Cytogenetic location: 6q23.3.
Variant type: single nucleotide variant.
Coding change: c.1504C>T on transcript NM_001270508.2 (MANE Select); coding-DNA position 1504, C replaced by T.
Protein change: p.Arg502Trp; replaces arginine 502 with tryptophan.
Molecular consequence: missense variant.
Genome position (GRCh38, 1-based): chr6:137,878,949, C>T. VCF-style: chr6-137878949-C-T. GRCh37 (hg19) VCF-style: chr6-138200086-C-T.
Other names: c.1504C>T, p.Arg502Trp (NM_001270507.2, NM_006290.4); short protein forms R502W.
Identifiers: ClinVar variation 2780715 (VCV002780715.3), dbSNP rs765245305, ClinGen allele CA4019654.